The following is an entry in ClinVar:

NM_032447.5(FBN3):c.8026T>C (p.Cys2676Arg)

Gene: FBN3 (fibrillin 3; minus strand). Cytogenetic location: 19p13.2.
Variant type: single nucleotide variant.
Coding change: c.8026T>C on transcript NM_032447.5 (MANE Select); coding-DNA position 8026, T replaced by C.
Protein change: p.Cys2676Arg; replaces cysteine 2676 with arginine.
Molecular consequence: missense variant.
Genome position (GRCh38, 1-based): chr19:8,072,110, A>G on the plus strand (T>C on the coding strand, the complement: FBN3 is on the minus strand). VCF-style: chr19-8072110-A-G. GRCh37 (hg19) VCF-style: chr19-8136994-A-G.
Other names: c.8026T>C, p.Cys2676Arg (NM_001321431.2); short protein forms C2676R.
Identifiers: ClinVar variation 1479467 (VCV001479467.8), dbSNP rs2081527834, ClinGen allele CA403695791.

ClinVar aggregate classification (germline): Uncertain significance (1 of 4 stars; one submission).

Allele frequency attached by ClinVar (database versions not stated): TOPMed below 0.00001; gnomAD exomes 0.00001.
gnomAD v4.1: 5 of 1,612,278 alleles (0.00031%); highest among the groups gnomAD compares: Non-Finnish European, 0.00042%; no homozygotes.

Submission:

Labcorp Genetics (formerly Invitae), Labcorp
Classification: Uncertain significance. Last evaluated: 2021-05-30. Review status: criteria provided, single submitter. Criteria: Invitae Variant Classification Sherloc (09022015). Collection method: clinical testing. Allele origin: germline.
Comment: In summary, the available evidence is currently insufficient to determine the role of this variant in disease. Therefore, it has been classified as a Variant of Uncertain Significance. Algorithms developed to predict the effect of missense changes on protein structure and function are either unavailable or do not agree on the potential impact of this missense change (SIFT: "Not Available"; PolyPhen-2: "Probably Damaging"; Align-GVGD: "Not Available"). This variant has not been reported in the literature in individuals with FBN3-related conditions. This variant is not present in population databases (ExAC no frequency). This sequence change replaces cysteine with arginine at codon 2676 of the FBN3 protein (p.Cys2676Arg). The cysteine residue is highly conserved and there is a large physicochemical difference between cysteine and arginine.